The following is an entry in ClinVar:

NM_006996.3(SLC19A2):c.980G>T (p.Arg327Leu)

Gene: SLC19A2 (solute carrier family 19 member 2; minus strand). Cytogenetic location: 1q24.2.
Variant type: single nucleotide variant.
Coding change: c.980G>T on transcript NM_006996.3 (MANE Select); coding-DNA position 980, G replaced by T.
Protein change: p.Arg327Leu; replaces arginine 327 with leucine.
Molecular consequence: missense variant.
Genome position (GRCh38, 1-based): chr1:169,470,014, C>A on the plus strand (G>T on the coding strand, the complement: SLC19A2 is on the minus strand). VCF-style: chr1-169470014-C-A. GRCh37 (hg19) VCF-style: chr1-169439252-C-A.
Other names: c.377G>T, p.Arg126Leu (NM_001319667.1); short protein forms R327L, R126L.
Identifiers: ClinVar variation 549507 (VCV000549507.3), dbSNP rs756708244, ClinGen allele CA1232967.

ClinVar aggregate classification (germline): Uncertain significance (1 of 4 stars; one submission).

Conditions:
Monogenic diabetes. Identifiers: Orphanet 183625, MedGen C3888631, MONDO:0015967.

Allele frequency attached by ClinVar (database versions not stated): gnomAD 0.00001.
gnomAD v4.1: 12 of 1,613,774 alleles (0.00074%); highest among the groups gnomAD compares: African/African-American, 0.0013%; no homozygotes.

Submission:

Personalized Diabetes Medicine Program, University of Maryland School of Medicine
Classification: Uncertain significance for Monogenic diabetes. Last evaluated: 2017-03-03. Review status: criteria provided, single submitter. Criteria: ACMG Guidelines, 2015. Collection method: research. Allele origin: unknown. Observed: 1 variant allele, 1 heterozygote. Study: Personalized Diabetes Medicine Program.
Comment: ACMG Criteria:PP3 (4 predictors), BP4 (7 predictors)